The following is an entry in ClinVar:

NM_182961.4(SYNE1):c.5165C>T (p.Ser1722Leu)

Gene: SYNE1 (spectrin repeat containing nuclear envelope protein 1; minus strand). Cytogenetic location: 6q25.2.
Variant type: single nucleotide variant.
Coding change: c.5165C>T on transcript NM_182961.4 (MANE Select); coding-DNA position 5165, C replaced by T.
Protein change: p.Ser1722Leu; replaces serine 1722 with leucine.
Molecular consequence: missense variant.
Genome position (GRCh38, 1-based): chr6:152,425,483, G>A on the plus strand (C>T on the coding strand, the complement: SYNE1 is on the minus strand). VCF-style: chr6-152425483-G-A. GRCh37 (hg19) VCF-style: chr6-152746618-G-A.
Other names: c.5186C>T, p.Ser1729Leu (NM_033071.5); short protein forms S1722L, S1729L.
Identifiers: ClinVar variation 1964132 (VCV001964132.5), dbSNP rs780732856, ClinGen allele CA4058346.
Genomic context (GRCh38, chr6:152,425,483, plus strand): 5'-AACTGCTCCAAATGTAGTTTCATCATTTTCACATCATCTTTGGAGGCTACTGAGAACAAT[G>A]ATTCCTTCAATTGCAAAAGTTTGCTATAGAATGAGGCCTGGGATACAACTTCATTTTGCA-3'
Protein context (NP_892006.3, residues 1712-1732): FYSKLLQLKE[Ser1722Leu]LFSVASKDDV

ClinVar aggregate classification (germline): Uncertain significance (1 of 4 stars; one submission).

Conditions:
Emery-Dreifuss muscular dystrophy 4, autosomal dominant (EDMD4). Also called: EMERY-DREIFUSS MUSCULAR DYSTROPHY 4 WITH VARIABLE FEATURES. Identifiers: Orphanet 261, MedGen C2751807, MONDO:0013071, OMIM 612998.
Autosomal recessive ataxia, Beauce type. Also called: SYNE1 Deficiency; Spinocerebellar ataxia, autosomal recessive 8; ATAXIA, RECESSIVE, OF BEAUCE; SYNE1-Related Autosomal Recessive Cerebellar Ataxia. Identifiers: Orphanet 88644, MedGen C1853116, MONDO:0012549, OMIM 610743.

Allele frequency attached by ClinVar (database versions not stated): ExAC 0.00001; gnomAD exomes 0.00001.
gnomAD v4.1: 4 of 1,614,118 alleles (0.00025%); highest among the groups gnomAD compares: Admixed American, 0.0017%; no homozygotes.

Submission:

Labcorp Genetics (formerly Invitae), Labcorp
Classification: Uncertain significance for Emery-Dreifuss muscular dystrophy 4, autosomal dominant; Autosomal recessive ataxia, Beauce type. Last evaluated: 2022-08-09. Review status: criteria provided, single submitter. Criteria: Invitae Variant Classification Sherloc (09022015). Collection method: clinical testing. Allele origin: germline.
Comment: This sequence change replaces serine, which is neutral and polar, with leucine, which is neutral and non-polar, at codon 1729 of the SYNE1 protein (p.Ser1729Leu). This variant is present in population databases (rs780732856, gnomAD 0.003%). This variant has not been reported in the literature in individuals affected with SYNE1-related conditions. Algorithms developed to predict the effect of missense changes on protein structure and function (SIFT, PolyPhen-2, Align-GVGD) all suggest that this variant is likely to be tolerated. In summary, the available evidence is currently insufficient to determine the role of this variant in disease. Therefore, it has been classified as a Variant of Uncertain Significance.